The following is an entry in ClinVar:

NM_001378454.1(ALMS1):c.8134A>G (p.Thr2712Ala)

Gene: ALMS1 (ALMS1 centrosome and basal body associated protein; plus strand). Cytogenetic location: 2p13.1.
Variant type: single nucleotide variant.
Coding change: c.8134A>G on transcript NM_001378454.1 (MANE Select); coding-DNA position 8134, A replaced by G.
Protein change: p.Thr2712Ala; replaces threonine 2712 with alanine.
Molecular consequence: missense variant.
Genome position (GRCh38, 1-based): chr2:73,490,093, A>G. VCF-style: chr2-73490093-A-G. GRCh37 (hg19) VCF-style: chr2-73717220-A-G.
Other names: c.8137A>G, p.Thr2713Ala (NM_015120.4); short protein forms T2712A, T2713A.
Identifiers: ClinVar variation 1415573 (VCV001415573.5), dbSNP rs765519997, ClinGen allele CA1714412.

ClinVar aggregate classification (germline): Uncertain significance. Review status: criteria provided, multiple submitters, no conflicts (2 of 4 stars). 2 submissions from 2 submitters: Uncertain significance (2). Last evaluated 2026-05-29.

Conditions:
Cardiovascular phenotype. Identifiers: MedGen CN230736.
Alstrom syndrome (ALMS). Identifiers: Orphanet 64, MedGen C0268425, MONDO:0008763, OMIM 203800.

Allele frequency attached by ClinVar (database versions not stated): ExAC 0.00001; gnomAD exomes below 0.00001; gnomAD 0.00002; TOPMed 0.00002.
gnomAD v4.1: 5 of 1,614,066 alleles (0.00031%); highest among the groups gnomAD compares: African/African-American, 0.004%; no homozygotes.

Submissions (2):

Ambry Genetics
Classification: Uncertain significance for Cardiovascular phenotype. Last evaluated: 2026-05-29. Review status: criteria provided, single submitter. Criteria: Ambry Variant Classification Scheme 2023. Collection method: clinical testing. Allele origin: germline.
Comment: The p.T2713A variant (also known as c.8137A>G), located in coding exon 10 of the ALMS1 gene, results from an A to G substitution at nucleotide position 8137. The threonine at codon 2713 is replaced by alanine, an amino acid with similar properties. This amino acid position is highly conserved in available vertebrate species. In addition, this alteration is predicted to be tolerated by in silico analysis. Based on the available evidence, the clinical significance of this variant remains unclear.

Labcorp Genetics (formerly Invitae), Labcorp
Classification: Uncertain significance for Alstrom syndrome. Last evaluated: 2024-06-24. Review status: criteria provided, single submitter. Criteria: Invitae Variant Classification Sherloc (09022015). Collection method: clinical testing. Allele origin: germline.
Comment: This sequence change replaces threonine, which is neutral and polar, with alanine, which is neutral and non-polar, at codon 2713 of the ALMS1 protein (p.Thr2713Ala). This variant is present in population databases (rs765519997, gnomAD 0.008%). This variant has not been reported in the literature in individuals affected with ALMS1-related conditions. ClinVar contains an entry for this variant (Variation ID: 1415573). Experimental studies and prediction algorithms are not available or were not evaluated, and the functional significance of this variant is currently unknown. In summary, the available evidence is currently insufficient to determine the role of this variant in disease. Therefore, it has been classified as a Variant of Uncertain Significance.